The following is an entry in ClinVar:

ClinVar aggregate classification (germline): Uncertain significance. Review status: criteria provided, multiple submitters, no conflicts (2 of 4 stars). 3 submissions from 3 submitters: Uncertain significance (3). Last evaluated 2026-01-26.

Conditions:
Basal cell carcinoma, susceptibility to, 1. Also called: BCC1. Identifiers: MedGen C2751544, MONDO:0011556, OMIM 605462.
Hereditary cancer-predisposing syndrome. Also called: Neoplastic Syndromes, Hereditary; Hereditary Cancer Syndrome; Tumor predisposition; Hereditary neoplastic syndrome. Identifiers: Orphanet 140162, MedGen C0027672, MeSH D009386, MONDO:0015356.
Gorlin syndrome. Also called: Basal cell nevus syndrome; Nevoid Basal Cell Carcinoma Syndrome. Identifiers: Orphanet 377, MedGen C0004779, MONDO:0007187.

Submissions (3):

Labcorp Genetics (formerly Invitae), Labcorp
Classification: Uncertain significance for Gorlin syndrome. Last evaluated: 2026-01-26. Review status: criteria provided, single submitter. Criteria: Invitae Variant Classification Sherloc (09022015). Collection method: clinical testing. Allele origin: germline.
Comment: This sequence change replaces alanine, which is neutral and non-polar, with serine, which is neutral and polar, at codon 858 of the PTCH1 protein (p.Ala858Ser). This variant is not present in population databases (gnomAD no frequency). This variant has not been reported in the literature in individuals affected with PTCH1-related conditions. ClinVar contains an entry for this variant (Variation ID: 1439512). Invitae Evidence Modeling of protein sequence and biophysical properties (such as structural, functional, and spatial information, amino acid conservation, physicochemical variation, residue mobility, and thermodynamic stability) indicates that this missense variant is not expected to disrupt PTCH1 protein function with a negative predictive value of 95%. In summary, the available evidence is currently insufficient to determine the role of this variant in disease. Therefore, it has been classified as a Variant of Uncertain Significance.

Ambry Genetics
Classification: Uncertain significance for Hereditary cancer-predisposing syndrome. Last evaluated: 2025-04-14. Review status: criteria provided, single submitter. Criteria: Ambry Variant Classification Scheme 2023. Collection method: clinical testing. Allele origin: germline.
Comment: The p.A858S variant (also known as c.2572G>T), located in coding exon 16 of the PTCH1 gene, results from a G to T substitution at nucleotide position 2572. The alanine at codon 858 is replaced by serine, an amino acid with similar properties. This amino acid position is highly conserved in available vertebrate species. In addition, the in silico prediction for this alteration is inconclusive. Since supporting evidence is limited at this time, the clinical significance of this alteration remains unclear.

Baylor Genetics
Classification: Uncertain significance for Basal cell carcinoma, susceptibility to, 1. Last evaluated: 2024-02-02. Review status: criteria provided, single submitter. Criteria: ACMG Guidelines, 2015. Collection method: clinical testing. Allele origin: unknown.

NM_000264.5(PTCH1):c.2572G>T (p.Ala858Ser)

Gene: PTCH1 (patched 1; minus strand). Cytogenetic location: 9q22.32.
Variant type: single nucleotide variant.
Coding change: c.2572G>T on transcript NM_000264.5 (MANE Select); coding-DNA position 2572, G replaced by T.
Protein change: p.Ala858Ser; replaces alanine 858 with serine.
Molecular consequence: missense variant. On other transcripts: non-coding transcript variant (1).
Genome position (GRCh38, 1-based): chr9:95,461,987, C>A on the plus strand (G>T on the coding strand, the complement: PTCH1 is on the minus strand). VCF-style: chr9-95461987-C-A. GRCh37 (hg19) VCF-style: chr9-98224269-C-A.
Other names: c.2374G>T, p.Ala792Ser (NM_001083602.3); c.2569G>T, p.Ala857Ser (NM_001083603.3); c.2119G>T, p.Ala707Ser (NM_001083604.3, NM_001083605.3, NM_001083606.3 and 1 more transcripts); c.2416G>T, p.Ala806Ser (NM_001354918.2); short protein forms A857S, A858S, A707S, A792S, A806S.
Identifiers: ClinVar variation 1439512 (VCV001439512.10), dbSNP rs1703756604, ClinGen allele CA374113571.
Genomic context (GRCh38, chr9:95,461,987, plus strand): 5'-CTGATCCATTCTTGTAATTGTTTGGCATGATTTTCCCGGTTTCCCAGTCACTGTCAAATG[C>A]ATCCTGAAGTCCTAGAAATGGCAAATGATTGTAACACATTATAACTCGCAGCCAGAAGGA-3'
Protein context (NP_000255.2, residues 848-868): FRDWLQGLQD[Ala858Ser]FDSDWETGKI